The following is an entry in ClinVar:

ClinVar aggregate classification (germline): Conflicting classifications of pathogenicity. Review status: criteria provided, conflicting classifications (1 of 4 stars). 4 submissions from 4 submitters: Uncertain significance (3); Likely benign (1). Last evaluated 2023-03-23.

Conditions:
Hereditary cancer-predisposing syndrome. Also called: Tumor predisposition; Neoplastic Syndromes, Hereditary; Hereditary neoplastic syndrome; Hereditary Cancer Syndrome. Identifiers: Orphanet 140162, MedGen C0027672, MeSH D009386, MONDO:0015356.
Hereditary breast ovarian cancer syndrome. Also called: Hereditary breast and ovarian cancer; Hereditary breast and ovarian cancer syndrome (HBOC); Breast and ovarian cancer; Hereditary breast and ovarian cancer syndrome; BRCA1- and BRCA2-Associated Hereditary Breast and Ovarian Cancer; Hereditary breast and/or ovarian cancer syndrome. Identifiers: Orphanet 145, MedGen C0677776, MeSH D061325, MONDO:0003582. Disease mechanism: loss of function.

Submissions (4):

University of Washington Department of Laboratory Medicine, University of Washington
Classification: Likely benign for Hereditary cancer-predisposing syndrome. Last evaluated: 2023-03-23. Review status: criteria provided, single submitter. Criteria: Dines et al. (Genet Med. 2020). Collection method: curation. Allele origin: germline.
Comment: Missense variant in a coldspot region where missense variants are very unlikely to be pathogenic (PMID:31911673).

BRCA1 coldspot (exon 11 using historical exon numbering). Reclassification based on statistical prior probability

Ambry Genetics
Classification: Uncertain significance for Hereditary cancer-predisposing syndrome. Last evaluated: 2023-03-17. Review status: criteria provided, single submitter. Criteria: Ambry Variant Classification Scheme 2023. Collection method: clinical testing. Allele origin: germline.
Comment: The p.C1251W variant (also known as c.3753T>G), located in coding exon 9 of the BRCA1 gene, results from a T to G substitution at nucleotide position 3753. The cysteine at codon 1251 is replaced by tryptophan, an amino acid with highly dissimilar properties. This amino acid position is conserved. In addition, the in silico prediction for this alteration is inconclusive. Since supporting evidence is limited at this time, the clinical significance of this alteration remains unclear.

Color Diagnostics, LLC DBA Color Health
Classification: Uncertain significance for Hereditary cancer-predisposing syndrome. Last evaluated: 2022-07-05. Review status: criteria provided, single submitter. Criteria: ACMG Guidelines, 2015. Collection method: clinical testing. Allele origin: germline.
Comment: This missense variant replaces cysteine with tryptophan at codon 1251 of the BRCA1 protein. Computational prediction is inconclusive regarding the impact of this variant on protein structure and function (internally defined REVEL score threshold 0.5 < inconclusive < 0.7, PMID: 27666373). To our knowledge, functional studies have not been reported for this variant. This variant has not been reported in individuals affected with hereditary cancer in the literature. This variant has not been identified in the general population by the Genome Aggregation Database (gnomAD). The available evidence is insufficient to determine the role of this variant in disease conclusively. Therefore, this variant is classified as a Variant of Uncertain Significance.

Labcorp Genetics (formerly Invitae), Labcorp
Classification: Uncertain significance for Hereditary breast ovarian cancer syndrome. Last evaluated: 2020-11-17. Review status: criteria provided, single submitter. Criteria: Invitae Variant Classification Sherloc (09022015). Collection method: clinical testing. Allele origin: germline.
Comment: This variant is not present in population databases (ExAC no frequency). This variant has not been reported in the literature in individuals with BRCA1-related conditions. ClinVar contains an entry for this variant (Variation ID: 631326). Advanced modeling of protein sequence and biophysical properties (such as structural, functional, and spatial information, amino acid conservation, physicochemical variation, residue mobility, and thermodynamic stability) performed at Invitae indicates that this missense variant is not expected to disrupt BRCA1 protein function. In summary, the available evidence is currently insufficient to determine the role of this variant in disease. Therefore, it has been classified as a Variant of Uncertain Significance. This sequence change replaces cysteine with tryptophan at codon 1251 of the BRCA1 protein (p.Cys1251Trp). The cysteine residue is weakly conserved and there is a large physicochemical difference between cysteine and tryptophan.

NM_007294.4(BRCA1):c.3753T>G (p.Cys1251Trp)

Genes: BRCA1 (BRCA1 DNA repair associated; minus strand), LOC126862571 (BRD4-independent group 4 enhancer GRCh37_chr17:41243136-41244335; plus strand). Cytogenetic location: 17q21.31.
Variant type: single nucleotide variant.
Coding change: c.3753T>G on transcript NM_007294.4 (MANE Select); coding-DNA position 3753, T replaced by G.
Protein change: p.Cys1251Trp; replaces cysteine 1251 with tryptophan.
Molecular consequence: missense variant. On other transcripts: intron variant (135).
Genome position (GRCh38, 1-based): chr17:43,091,778, A>C on the plus strand (T>G on the coding strand, the complement: BRCA1 is on the minus strand). VCF-style: chr17-43091778-A-C. GRCh37 (hg19) VCF-style: chr17-41243795-A-C.
Other names: c.3612T>G, p.Cys1204Trp (NM_001407730.1, NM_001407731.1, NM_001407732.1 and 29 more transcripts); c.3609T>G, p.Cys1203Trp (NM_001407740.1, NM_001407741.1, NM_001407742.1 and 20 more transcripts); c.3540T>G, p.Cys1180Trp (NM_001407853.1, NM_001407894.1, NM_001407895.1 and 9 more transcripts); c.3753T>G, p.Cys1251Trp (NM_001407854.1, NM_001407858.1, NM_001407859.1 and 30 more transcripts); c.3750T>G, p.Cys1250Trp (NM_001407860.1, NM_001407861.1, NM_001407587.1 and 22 more transcripts); c.3552T>G, p.Cys1184Trp (NM_001407862.1); c.3630T>G, p.Cys1210Trp (NM_001407863.1, NM_001407919.1, NM_001407937.1 and 19 more transcripts); c.3549T>G, p.Cys1183Trp (NM_001407874.1, NM_001407875.1); and 41 more; short protein forms C1251W, C1204W, C1123W, C1140W, C1162W, C1163W, C1210W, C1225W.
Identifiers: ClinVar variation 631326 (VCV000631326.18), dbSNP rs397509098, ClinGen allele CA10594466.